The following is an entry in ClinVar:

ClinVar aggregate classification (germline): Conflicting classifications of pathogenicity. Review status: criteria provided, conflicting classifications (1 of 4 stars). 7 submissions from 7 submitters: Uncertain significance (3); Likely benign (3). 1 of the submissions does not count toward it. Last evaluated 2026-01-28.

Conditions:
SLC10A2-related disorder. Also called: SLC10A2-related condition.
Bile acid malabsorption, primary, 1 (PBAM1). Also called: Bile acid malabsorption, primary. Identifiers: MedGen C5561934, MONDO:0013214, OMIM 613291.

Allele frequency attached by ClinVar (database versions not stated): 1000 Genomes Project 30x 0.00031; 1000 Genomes Project 0.00040; ESP Exome Variant Server 0.00231; gnomAD exomes 0.00239 and 0.00365; ExAC 0.00251; gnomAD 0.00253 and 0.00285; TOPMed 0.00280.
gnomAD v4.1: 5,683 of 1,613,794 alleles (0.35%); highest among the groups gnomAD compares: Non-Finnish European, 0.43%; 14 homozygotes.

Submissions (7):

Labcorp Genetics (formerly Invitae), Labcorp
Classification: Likely benign. Last evaluated: 2026-01-28. Review status: criteria provided, single submitter. Criteria: Invitae Variant Classification Sherloc (09022015). Collection method: clinical testing. Allele origin: germline.

Mayo Clinic Laboratories, Mayo Clinic
Classification: Likely benign. Last evaluated: 2025-06-24. Review status: criteria provided, single submitter. Criteria: ACMG Guidelines, 2015. Collection method: clinical testing. Allele origin: germline. Observed: 3 variant alleles.
Comment: BS1, BP4

Blueprint Genetics
Classification: Likely benign. Last evaluated: 2024-11-19. Review status: criteria provided, single submitter. Criteria: ACMG Guidelines, 2015. Collection method: clinical testing. Allele origin: germline.

Fulgent Genetics
Classification: Uncertain significance for Bile acid malabsorption, primary, 1. Last evaluated: 2018-10-31. Review status: criteria provided, single submitter. Criteria: ACMG Guidelines, 2015. Collection method: clinical testing. Allele origin: unknown.

Eurofins Ntd Llc (ga)
Classification: Uncertain significance. Last evaluated: 2018-04-05. Review status: criteria provided, single submitter. Criteria: EGL ClinVar v180209 classification definitions. Collection method: clinical testing. Allele origin: germline. Observed: 15 variant alleles, 15 heterozygotes.

CeGaT Center for Human Genetics Tuebingen
Classification: Uncertain significance. Last evaluated: 2016-06-01. Review status: criteria provided, single submitter. Criteria: CeGaT Center For Human Genetics Tuebingen Variant Classification Criteria Version 2. Collection method: clinical testing. Allele origin: germline. Affected: yes. Observed: 1 variant allele.

PreventionGenetics, part of Exact Sciences
Classification: Likely benign for SLC10A2-related condition. Last evaluated: 2022-03-25. Review status: no assertion criteria provided. Collection method: clinical testing. Allele origin: germline. Not counted in ClinVar's aggregate classification.
Comment: This variant is classified as likely benign based on ACMG/AMP sequence variant interpretation guidelines (Richards et al. 2015 PMID: 25741868, with internal and published modifications).

Literature cited by the submitters: PubMed 19823678 (cited by Mayo Clinic Laboratories, Mayo Clinic and Eurofins Ntd Llc (ga)).

NM_000452.3(SLC10A2):c.910T>C (p.Phe304Leu)

Gene: SLC10A2 (solute carrier family 10 member 2; minus strand). Cytogenetic location: 13q33.1.
Variant type: single nucleotide variant.
Coding change: c.910T>C on transcript NM_000452.3 (MANE Select); coding-DNA position 910, T replaced by C.
Protein change: p.Phe304Leu; replaces phenylalanine 304 with leucine.
Molecular consequence: missense variant.
Genome position (GRCh38, 1-based): chr13:103,049,298, A>G on the plus strand (T>C on the coding strand, the complement: SLC10A2 is on the minus strand). VCF-style: chr13-103049298-A-G. GRCh37 (hg19) VCF-style: chr13-103701648-A-G.
Other names: p.Phe304Leu; short protein forms F304L.
Identifiers: ClinVar variation 500243 (VCV000500243.59), dbSNP rs61966074, ClinGen allele CA7041997.